The following is an entry in ClinVar:

NM_005159.5(ACTC1):c.134T>C (p.Val45Ala)

Genes: GJD2-DT (GJD2 divergent transcript; plus strand), ACTC1 (actin alpha cardiac muscle 1; minus strand). Cytogenetic location: 15q14.
Variant type: single nucleotide variant.
Coding change: c.134T>C on transcript NM_005159.5 (MANE Select); coding-DNA position 134, T replaced by C.
Protein change: p.Val45Ala; replaces valine 45 with alanine.
Molecular consequence: missense variant.
Genome position (GRCh38, 1-based): chr15:34,793,565, A>G on the plus strand (T>C on the coding strand, the complement: ACTC1 is on the minus strand). VCF-style: chr15-34793565-A-G. GRCh37 (hg19) VCF-style: chr15-35085766-A-G.
Other names: c.134T>C (LRG_388t1); short protein forms V45A.
Identifiers: ClinVar variation 471455 (VCV000471455.8), dbSNP rs1555418924, ClinGen allele CA391632289.

ClinVar aggregate classification (germline): Uncertain significance (1 of 4 stars; one submission).

Conditions:
Atrial septal defect 5 (ASD5). Identifiers: Orphanet 1478, MedGen C2748552, MONDO:0013011, OMIM 612794.
Dilated cardiomyopathy 1R (CMD1R). Identifiers: Orphanet 154, Orphanet 54260, MedGen C3150681, MONDO:0013261, OMIM 613424.
Hypertrophic cardiomyopathy 11. Also called: ACTC1-Related Familial Hypertrophic Cardiomyopathy. Identifiers: MedGen C2677506, MONDO:0012799, OMIM 612098.

Submission:

Labcorp Genetics (formerly Invitae), Labcorp
Classification: Uncertain significance for Dilated cardiomyopathy 1R; Hypertrophic cardiomyopathy 11; Atrial septal defect 5. Last evaluated: 2025-11-16. Review status: criteria provided, single submitter. Criteria: Invitae Variant Classification Sherloc (09022015). Collection method: clinical testing. Allele origin: germline.
Comment: This sequence change replaces valine, which is neutral and non-polar, with alanine, which is neutral and non-polar, at codon 45 of the ACTC1 protein (p.Val45Ala). This variant is not present in population databases (gnomAD no frequency). This variant has not been reported in the literature in individuals affected with ACTC1-related conditions. ClinVar contains an entry for this variant (Variation ID: 471455). An algorithm developed to predict the effect of missense changes on protein structure and function (PolyPhen-2) suggests that this variant is likely to be tolerated. In summary, the available evidence is currently insufficient to determine the role of this variant in disease. Therefore, it has been classified as a Variant of Uncertain Significance.